The following is an entry in ClinVar:

ClinVar aggregate classification (germline): Conflicting classifications of pathogenicity. Review status: criteria provided, conflicting classifications (1 of 4 stars). 3 submissions from 3 submitters: Uncertain significance (2); Likely benign (1). Last evaluated 2026-05-29.

Conditions:
TUB-related disorder. Also called: TUB-related condition.

Allele frequency attached by ClinVar (database versions not stated): gnomAD 0.00005 and 0.00009; gnomAD exomes 0.00006 and 0.00020; ExAC 0.00016; 1000 Genomes Project 30x 0.00078; 1000 Genomes Project 0.00080.
gnomAD v4.1: 109 of 1,613,624 alleles (0.0068%); highest among the groups gnomAD compares: East Asian, 0.2%; no homozygotes.

Submissions (3):

PreventionGenetics, part of Exact Sciences
Classification: Uncertain significance for TUB-related condition. Last evaluated: 2026-05-29. Review status: criteria provided, single submitter. Criteria: ACMG Guidelines, 2015. Collection method: clinical testing. Allele origin: germline.
Comment: The TUB c.1379A>G variant is predicted to result in the amino acid substitution p.Asn460Ser. This variant has been reported in the homozygous state in an individual with retinitis pigmentosa (Xu et al. 2023. PubMed ID: 36650547). This variant is reported in 0.25% of alleles in individuals of East Asian descent in gnomAD. Although we suspect that this variant may be benign, at this time, the clinical significance of this variant is uncertain due to the absence of conclusive functional a genetic evidence.

Labcorp Genetics (formerly Invitae), Labcorp
Classification: Likely benign. Last evaluated: 2025-12-10. Review status: criteria provided, single submitter. Criteria: Invitae Variant Classification Sherloc (09022015). Collection method: clinical testing. Allele origin: germline.

Blueprint Genetics
Classification: Uncertain significance. Last evaluated: 2024-05-28. Review status: criteria provided, single submitter. Criteria: ACMG Guidelines, 2015. Collection method: clinical testing. Allele origin: germline.

NM_177972.3(TUB):c.1214A>G (p.Asn405Ser)

Genes: RIC3 (RIC3 acetylcholine receptor chaperone; minus strand), TUB (TUB bipartite transcription factor; plus strand). Cytogenetic location: 11p15.4.
Variant type: single nucleotide variant.
Coding change: c.1214A>G on transcript NM_177972.3 (MANE Select); coding-DNA position 1214, A replaced by G.
Protein change: p.Asn405Ser; replaces asparagine 405 with serine.
Molecular consequence: missense variant.
Genome position (GRCh38, 1-based): chr11:8,100,600, A>G. VCF-style: chr11-8100600-A-G. GRCh37 (hg19) VCF-style: chr11-8122147-A-G.
Other names: c.1379A>G, p.Asn460Ser (NM_003320.5); c.1379A>G (NM_003320.4); short protein forms N405S, N460S.
Identifiers: ClinVar variation 1091773 (VCV001091773.11), dbSNP rs189328202, ClinGen allele CA5871400.